The following is an entry in ClinVar:

NM_001379210.1(SLC25A26):c.677A>G (p.His226Arg)

Gene: SLC25A26 (solute carrier family 25 member 26; plus strand). Cytogenetic location: 3p14.1.
Variant type: single nucleotide variant.
Coding change: c.677A>G on transcript NM_001379210.1 (MANE Select); coding-DNA position 677, A replaced by G.
Protein change: p.His226Arg; replaces histidine 226 with arginine.
Molecular consequence: missense variant. On other transcripts: non-coding transcript variant (1).
Genome position (GRCh38, 1-based): chr3:66,370,572, A>G. VCF-style: chr3-66370572-A-G. GRCh37 (hg19) VCF-style: chr3-66420996-A-G.
Other names: c.413A>G, p.His138Arg (NM_001164796.1, NM_001350993.1); c.677A>G, p.His226Arg (NM_173471.4); c.677A>G (NM_173471.3); short protein forms H138R, H226R.
Identifiers: ClinVar variation 756025 (VCV000756025.5), dbSNP rs142536729, ClinGen allele CA2483830.

ClinVar aggregate classification (germline): Conflicting classifications of pathogenicity. Review status: criteria provided, conflicting classifications (1 of 4 stars). 2 submissions from 2 submitters: Uncertain significance (1); Likely benign (1). Last evaluated 2025-09-10.

Allele frequency attached by ClinVar (database versions not stated): gnomAD 0.00007 and 0.00013; gnomAD exomes 0.00007 and 0.00021; ExAC 0.00020; TOPMed 0.00022; 1000 Genomes Project 30x 0.00109; 1000 Genomes Project 0.00140.
gnomAD v4.1: 128 of 1,613,918 alleles (0.0079%); highest among the groups gnomAD compares: East Asian, 0.24%; no homozygotes.

Submissions (2):

Labcorp Genetics (formerly Invitae), Labcorp
Classification: Likely benign. Last evaluated: 2025-09-10. Review status: criteria provided, single submitter. Criteria: Invitae Variant Classification Sherloc (09022015). Collection method: clinical testing. Allele origin: germline.

GeneDx
Classification: Uncertain significance. Last evaluated: 2025-03-30. Review status: criteria provided, single submitter. Criteria: GeneDx Variant Classification Process June 2021. Collection method: clinical testing. Allele origin: germline. Affected: yes.
Comment: Has not been previously published as pathogenic or benign to our knowledge; In silico analysis indicates that this missense variant does not alter protein structure/function